The following is an entry in ClinVar:

NM_001360.3(DHCR7):c.324G>A (p.Val108=)

Gene: DHCR7 (7-dehydrocholesterol reductase; minus strand). Cytogenetic location: 11q13.4.
Variant type: single nucleotide variant.
Coding change: c.324G>A on transcript NM_001360.3 (MANE Select); coding-DNA position 324, G replaced by A.
Protein change: p.Val108=; no amino-acid change (valine 108 retained).
Molecular consequence: synonymous variant.
Genome position (GRCh38, 1-based): chr11:71,442,351, C>T on the plus strand (G>A on the coding strand, the complement: DHCR7 is on the minus strand). VCF-style: chr11-71442351-C-T. GRCh37 (hg19) VCF-style: chr11-71153397-C-T.
Other names: c.324G>A, p.Val108= (NM_001163817.2); c.324G>A (NM_001360.2).
Identifiers: ClinVar variation 1110837 (VCV001110837.10), dbSNP rs764443524, ClinGen allele CA6162612.

ClinVar aggregate classification (germline): Likely benign. Review status: criteria provided, multiple submitters, no conflicts (2 of 4 stars). 2 submissions from 2 submitters: Likely benign (2). Last evaluated 2026-07-01.

Conditions:
DHCR7-related disorder. Also called: DHCR7-related condition.
Smith-Lemli-Opitz syndrome (SLOS). Also called: 7-Dehydrocholesterol reductase deficiency; LETHAL ACRODYSGENITAL SYNDROME; POLYDACTYLY, SEX REVERSAL, RENAL HYPOPLASIA, AND UNILOBAR LUNG; RSH SYNDROME; RUTLEDGE LETHAL MULTIPLE CONGENITAL ANOMALY SYNDROME. Identifiers: Orphanet 818, MedGen C0175694, MONDO:0010035, OMIM 270400.

Allele frequency attached by ClinVar (database versions not stated): gnomAD exomes below 0.00001 and 0.00001; ExAC 0.00003; gnomAD 0.00003; TOPMed 0.00003.
gnomAD v4.1: 11 of 1,613,228 alleles (0.00068%); highest among the groups gnomAD compares: African/African-American, 0.0067%; no homozygotes.

Submissions (2):

PreventionGenetics, part of Exact Sciences
Classification: Likely benign for DHCR7-related condition. Last evaluated: 2026-07-01. Review status: criteria provided, single submitter. Criteria: ACMG Guidelines, 2015. Collection method: clinical testing. Allele origin: germline.
Comment: This variant is classified as likely benign based on ACMG/AMP sequence variant interpretation guidelines (Richards et al. 2015 PMID: 25741868, with internal and published modifications).

Labcorp Genetics (formerly Invitae), Labcorp
Classification: Likely benign for Smith-Lemli-Opitz syndrome. Last evaluated: 2023-07-24. Review status: criteria provided, single submitter. Criteria: Invitae Variant Classification Sherloc (09022015). Collection method: clinical testing. Allele origin: germline.